The following is an entry in ClinVar:

ClinVar aggregate classification (germline): Uncertain significance. Review status: criteria provided, multiple submitters, no conflicts (2 of 4 stars). 3 submissions from 3 submitters: Uncertain significance (3). Last evaluated 2026-03-01.

Submissions (3):

CeGaT Center for Human Genetics Tuebingen
Classification: Uncertain significance. Last evaluated: 2026-03-01. Review status: criteria provided, single submitter. Criteria: CeGaT Center For Human Genetics Tuebingen Variant Classification Criteria Version 2. Collection method: clinical testing. Allele origin: germline. Affected: yes. Observed: 1 variant allele.
Comment: TMC1: PM2

GeneDx
Classification: Uncertain significance. Last evaluated: 2024-07-09. Review status: criteria provided, single submitter. Criteria: GeneDx Variant Classification Process June 2021. Collection method: clinical testing. Allele origin: germline. Affected: yes.
Comment: Not observed at significant frequency in large population cohorts (gnomAD); In silico analysis supports that this missense variant has a deleterious effect on protein structure/function; Has not been previously published as pathogenic or benign to our knowledge

Blueprint Genetics
Classification: Uncertain significance. Last evaluated: 2023-08-25. Review status: criteria provided, single submitter. Criteria: ACMG Guidelines, 2015. Collection method: clinical testing. Allele origin: germline.

NM_138691.3(TMC1):c.1598T>C (p.Leu533Pro)

Gene: TMC1 (transmembrane channel like 1; plus strand). Cytogenetic location: 9q21.13.
Variant type: single nucleotide variant.
Coding change: c.1598T>C on transcript NM_138691.3 (MANE Select); coding-DNA position 1598, T replaced by C.
Protein change: p.Leu533Pro; replaces leucine 533 with proline.
Molecular consequence: missense variant.
Genome position (GRCh38, 1-based): chr9:72,805,413, T>C. VCF-style: chr9-72805413-T-C. GRCh37 (hg19) VCF-style: chr9-75420329-T-C.
Other names: short protein forms L533P.
Identifiers: ClinVar variation 3572566 (VCV003572566.6).